The following is an entry in ClinVar:

NM_000142.5(FGFR3):c.1714C>G (p.Pro572Ala)

Gene: FGFR3 (fibroblast growth factor receptor 3; plus strand). Cytogenetic location: 4p16.3.
Variant type: single nucleotide variant.
Coding change: c.1714C>G on transcript NM_000142.5 (MANE Select); coding-DNA position 1714, C replaced by G.
Protein change: p.Pro572Ala; replaces proline 572 with alanine.
Molecular consequence: missense variant. On other transcripts: non-coding transcript variant (1).
Genome position (GRCh38, 1-based): chr4:1,805,818, C>G. VCF-style: chr4-1805818-C-G. GRCh37 (hg19) VCF-style: chr4-1807545-C-G.
Other names: c.1717C>G, p.Pro573Ala (NM_001354810.2, NM_001354809.2); c.1378C>G, p.Pro460Ala (NM_022965.4); c.1720C>G, p.Pro574Ala (NM_001163213.2); short protein forms P460A, P572A, P573A, P574A.
Identifiers: ClinVar variation 4857810 (VCV004857810.1).
Genomic context (GRCh38, chr4:1,805,818, plus strand): 5'-TACGTGCTGGTGGAGTACGCGGCCAAGGGTAACCTGCGGGAGTTTCTGCGGGCGCGGCGG[C>G]CCCCGGGCCTGGACTACTCCTTCGACACCTGCAAGCCGCCCGAGGAGCAGCTCACCTTCA-3'
Protein context (NP_000133.1, residues 562-582): NLREFLRARR[Pro572Ala]PGLDYSFDTC

ClinVar aggregate classification (germline): Uncertain significance (1 of 4 stars; one submission).

Conditions:
FGFR3-related chondrodysplasia. Identifiers: Orphanet 93420, MedGen C5681604, MONDO:0019685.

Submission:

Genomenon, Inc
Classification: Uncertain significance for FGFR3-related chondrodysplasia. Last evaluated: 2026-06-23. Review status: criteria provided, single submitter. Criteria: Genomenon Sequence Variant Interpretation Standards - Updated. Collection method: curation. Allele origin: germline. Affected: no.
Comment: FGFR3 p.Pro572Ala (c.1714C>G) is a missense variant that changes the amino acid at codon 572 from Proline to Alanine. To our knowledge, this variant has not been reported in patients affected with an FGFR3-related phenotype in the published literature. Functional studies have been reported (PMID:26992226). It is absent or not present at a significant frequency in gnomAD. In silico models predict that this variant is possibly or probably damaging. In conclusion, we classify FGFR3 p.Pro572Ala (c.1714C>G) as a variant of uncertain significance.

Literature cited by the submitters: PubMed 26992226.